The following is an entry in ClinVar:

NM_012414.4(RAB3GAP2):c.309A>C (p.Lys103Asn)

Gene: RAB3GAP2 (RAB3 GTPase activating non-catalytic protein subunit 2; minus strand). Cytogenetic location: 1q41.
Variant type: single nucleotide variant.
Coding change: c.309A>C on transcript NM_012414.4 (MANE Select); coding-DNA position 309, A replaced by C.
Protein change: p.Lys103Asn; replaces lysine 103 with asparagine.
Molecular consequence: missense variant.
Genome position (GRCh38, 1-based): chr1:220,212,964, T>G on the plus strand (A>C on the coding strand, the complement: RAB3GAP2 is on the minus strand). VCF-style: chr1-220212964-T-G. GRCh37 (hg19) VCF-style: chr1-220386306-T-G.
Other names: short protein forms K103N.
Identifiers: ClinVar variation 1495603 (VCV001495603.6), dbSNP rs1425618506, ClinGen allele CA344730907.

ClinVar aggregate classification (germline): Uncertain significance (1 of 4 stars; one submission).

Conditions:
Warburg micro syndrome 2 (WARBM2). Also called: MICRO SYNDROME 2. Identifiers: Orphanet 2510, MedGen C3280214, MONDO:0013641, OMIM 614225.
Martsolf syndrome (MARTS). Also called: Congenital cataract with intellectual disability and hypogonadotropic hypogonadism syndrome. Identifiers: Orphanet 1387, MedGen C0796037, MONDO:0023910.

Allele frequency attached by ClinVar (database versions not stated): gnomAD 0.00001; TOPMed 0.00001.
gnomAD v4.1: 2 of 1,607,326 alleles (0.00012%); highest among the groups gnomAD compares: African/African-American, 0.0027%; no homozygotes.

Submission:

Labcorp Genetics (formerly Invitae), Labcorp
Classification: Uncertain significance for Martsolf syndrome; Warburg micro syndrome 2. Last evaluated: 2021-08-16. Review status: criteria provided, single submitter. Criteria: Invitae Variant Classification Sherloc (09022015). Collection method: clinical testing. Allele origin: germline.
Comment: Algorithms developed to predict the effect of missense changes on protein structure and function (SIFT, PolyPhen-2, Align-GVGD) all suggest that this variant is likely to be tolerated. In summary, the available evidence is currently insufficient to determine the role of this variant in disease. Therefore, it has been classified as a Variant of Uncertain Significance. This variant has not been reported in the literature in individuals affected with RAB3GAP2-related conditions. This variant is not present in population databases (ExAC no frequency). This sequence change replaces lysine with asparagine at codon 103 of the RAB3GAP2 protein (p.Lys103Asn). The lysine residue is moderately conserved and there is a moderate physicochemical difference between lysine and asparagine.